The following is an entry in ClinVar:

ClinVar aggregate classification (germline): Benign. Review status: criteria provided, single submitter (1 of 4 stars). 2 submissions from 2 submitters: Benign (1). 1 of the submissions does not count toward it. Last evaluated 2024-12-16.

Conditions:
Coffin-Lowry syndrome (CLS). Also called: COFFIN-LOWRY SYNDROME, MILD; Mental retardation with osteocartilaginous abnormalities. Identifiers: Orphanet 192, MedGen C0265252, MONDO:0010561, OMIM 303600.
Intellectual developmental disorder, X-linked 19. Also called: Intellectual disability, X-linked 19. Identifiers: Orphanet 777, MedGen C0796225, MONDO:0010447, OMIM 300844.
RPS6KA3-related disorder. Also called: RPS6KA3-related condition.

Allele frequency attached by ClinVar (database versions not stated): gnomAD exomes below 0.00001; gnomAD 0.00001; TOPMed 0.00001.
gnomAD v4.1: 4 of 1,209,033 alleles (0.00033%); highest among the groups gnomAD compares: Admixed American, 0.0088%; no homozygotes.

Submissions (2):

Labcorp Genetics (formerly Invitae), Labcorp
Classification: Benign for Coffin-Lowry syndrome; Intellectual developmental disorder, X-linked 19. Last evaluated: 2024-12-16. Review status: criteria provided, single submitter. Criteria: Invitae Variant Classification Sherloc (09022015). Collection method: clinical testing. Allele origin: germline.

PreventionGenetics, part of Exact Sciences
Classification: Likely benign for RPS6KA3-related condition. Last evaluated: 2022-11-29. Review status: no assertion criteria provided. Collection method: clinical testing. Allele origin: germline. Not counted in ClinVar's aggregate classification.
Comment: This variant is classified as likely benign based on ACMG/AMP sequence variant interpretation guidelines (Richards et al. 2015 PMID: 25741868, with internal and published modifications).

NM_004586.3(RPS6KA3):c.2142G>A (p.Gln714=)

Gene: RPS6KA3 (ribosomal protein S6 kinase A3; minus strand). Cytogenetic location: Xp22.12.
Variant type: single nucleotide variant.
Coding change: c.2142G>A on transcript NM_004586.3 (MANE Select); coding-DNA position 2142, G replaced by A.
Protein change: p.Gln714=; no amino-acid change (glutamine 714 retained).
Molecular consequence: synonymous variant.
Genome position (GRCh38, 1-based): chrX:20,155,479, C>T on the plus strand (G>A on the coding strand, the complement: RPS6KA3 is on the minus strand). VCF-style: chrX-20155479-C-T. GRCh37 (hg19) VCF-style: chrX-20173597-C-T.
Other names: c.2142G>A (NM_004586.2).
Identifiers: ClinVar variation 2109404 (VCV002109404.5), dbSNP rs1241566447, ClinGen allele CA515613327.